The following is an entry in ClinVar:

NM_000169.3(GLA):c.877C>A (p.Pro293Thr)

Genes: GLA (galactosidase alpha; minus strand), RPL36A-HNRNPH2 (RPL36A-HNRNPH2 readthrough; plus strand). Cytogenetic location: Xq22.1.
Variant type: single nucleotide variant.
Coding change: c.877C>A on transcript NM_000169.3 (MANE Select); coding-DNA position 877, C replaced by A.
Protein change: p.Pro293Thr; replaces proline 293 with threonine.
Molecular consequence: missense variant. On other transcripts: non-coding transcript variant (3), intron variant (2).
Genome position (GRCh38, 1-based): chrX:101,398,492, G>T on the plus strand (C>A on the coding strand, the complement: GLA is on the minus strand). VCF-style: chrX-101398492-G-T. GRCh37 (hg19) VCF-style: chrX-100653480-G-T.
Other names: c.1000C>A, p.Pro334Thr (NM_001406747.1); c.877C>A, p.Pro293Thr (NM_001406748.1); c.300+3035G>T (NM_001199973.2); c.177+6670G>T (NM_001199974.2); short protein forms P293T, P334T.
Identifiers: ClinVar variation 4087565 (VCV004087565.2).

ClinVar aggregate classification (germline): Likely pathogenic (1 of 4 stars; one submission).

Conditions:
Fabry disease. Also called: ALPHA-GALACTOSIDASE A DEFICIENCY; ANDERSON-FABRY DISEASE; CERAMIDE TRIHEXOSIDASE DEFICIENCY; GLA DEFICIENCY; HEREDITARY DYSTOPIC LIPIDOSIS; Angiokeratoma corporis diffusum. Identifiers: Orphanet 324, MedGen C0002986, MONDO:0010526, OMIM 301500, HP:0001071. Disease mechanism: Fabry disease is due to inactivating mutations in the X-linked GLA gene resulting in deficiency of the enzyme Alpha Galactosidase-A., loss of function.

Submission:

Genomenon, Inc
Classification: Likely pathogenic for Fabry disease. Last evaluated: 2026-09-08. Review status: criteria provided, single submitter. Criteria: Genomenon Sequence Variant Interpretation Standards - Updated. Collection method: curation. Allele origin: germline. Affected: yes.
Comment: GLA p.Pro293Thr (c.877C>A) is a missense variant that changes the amino acid at codon 293 from Proline to Threonine. This variant has been observed in at least one proband with clinical features consistent with Fabry disease (PMID:20022777;39766319;27657681;31246960;32854306;16595074;30723321). At least one functional study has demonstrated a substantial alteration in protein function relative to the wild-type (PMID:22773828;30723321;27657681). It is absent or not present at a significant frequency in gnomAD. In silico models predict that this variant is possibly or probably damaging. In conclusion, we classify GLA p.Pro293Thr (c.877C>A) as a likely pathogenic variant.

Literature cited by the submitters: PubMed 20022777; PubMed 39766319; PubMed 27657681; PubMed 31246960; PubMed 32854306; PubMed 16595074; PubMed 30723321; PubMed 22773828.